The following is an entry in ClinVar:

NM_000215.4(JAK3):c.532G>A (p.Ala178Thr)

Gene: JAK3 (Janus kinase 3; minus strand). Cytogenetic location: 19p13.11.
Variant type: single nucleotide variant.
Coding change: c.532G>A on transcript NM_000215.4 (MANE Select); coding-DNA position 532, G replaced by A.
Protein change: p.Ala178Thr; replaces alanine 178 with threonine.
Molecular consequence: missense variant.
Genome position (GRCh38, 1-based): chr19:17,843,061, C>T on the plus strand (G>A on the coding strand, the complement: JAK3 is on the minus strand). VCF-style: chr19-17843061-C-T. GRCh37 (hg19) VCF-style: chr19-17953870-C-T.
Other names: short protein forms A178T.
Identifiers: ClinVar variation 1040598 (VCV001040598.5), dbSNP rs759903379, ClinGen allele CA404773093.

ClinVar aggregate classification (germline): Uncertain significance. Review status: criteria provided, multiple submitters, no conflicts (2 of 4 stars). 2 submissions from 2 submitters: Uncertain significance (2). Last evaluated 2022-11-11.

Conditions:
T-B+ severe combined immunodeficiency due to JAK3 deficiency. Also called: SCID, autosomal recessive, T-negative/B-positive type; SCID, T CELL-NEGATIVE, B CELL-POSITIVE, NK CELL-NEGATIVE. Identifiers: Orphanet 35078, MedGen C1833275, MONDO:0010938, OMIM 600802.

Allele frequency attached by ClinVar (database versions not stated): gnomAD 0.00001; TOPMed 0.00001.
gnomAD v4.1: 8 of 1,610,632 alleles (0.0005%); highest among the groups gnomAD compares: Admixed American, 0.01%; no homozygotes.

Submissions (2):

GeneDx
Classification: Uncertain significance. Last evaluated: 2022-11-11. Review status: criteria provided, single submitter. Criteria: GeneDx Variant Classification Process June 2021. Collection method: clinical testing. Allele origin: germline. Affected: yes.
Comment: In silico analysis supports that this missense variant does not alter protein structure/function; Has not been previously published as pathogenic or benign to our knowledge; This variant is associated with the following publications: (PMID: 15575979, 21821710)

Labcorp Genetics (formerly Invitae), Labcorp
Classification: Uncertain significance for T-B+ severe combined immunodeficiency due to JAK3 deficiency. Last evaluated: 2022-09-27. Review status: criteria provided, single submitter. Criteria: Invitae Variant Classification Sherloc (09022015). Collection method: clinical testing. Allele origin: germline.
Comment: This sequence change replaces alanine, which is neutral and non-polar, with threonine, which is neutral and polar, at codon 178 of the JAK3 protein (p.Ala178Thr). This variant is present in population databases (no rsID available, gnomAD 0.01%). This variant has not been reported in the literature in individuals affected with JAK3-related conditions. ClinVar contains an entry for this variant (Variation ID: 1040598). Advanced modeling of protein sequence and biophysical properties (such as structural, functional, and spatial information, amino acid conservation, physicochemical variation, residue mobility, and thermodynamic stability) performed at Invitae indicates that this missense variant is not expected to disrupt JAK3 protein function. In summary, the available evidence is currently insufficient to determine the role of this variant in disease. Therefore, it has been classified as a Variant of Uncertain Significance.